The following is an entry in ClinVar:

ClinVar aggregate classification (germline): Uncertain significance (1 of 4 stars; one submission).

Conditions:
Seizures, benign familial infantile, 3 (BFIS3). Also called: CONVULSIONS, BENIGN FAMILIAL INFANTILE, 3; Familial neonatal seizures. Identifiers: Orphanet 140927, Orphanet 306, MedGen C1843140, MONDO:0011904, OMIM 607745.
Developmental and epileptic encephalopathy, 11 (DEE11). Also called: Early infantile epileptic encephalopathy 11. Identifiers: Orphanet 1934, MedGen C3150987, MONDO:0013388, OMIM 613721.

Submission:

Labcorp Genetics (formerly Invitae), Labcorp
Classification: Uncertain significance for Seizures, benign familial infantile, 3; Developmental and epileptic encephalopathy, 11. Last evaluated: 2023-03-18. Review status: criteria provided, single submitter. Criteria: Invitae Variant Classification Sherloc (09022015). Collection method: clinical testing. Allele origin: germline.
Comment: In summary, the available evidence is currently insufficient to determine the role of this variant in disease. Therefore, it has been classified as a Variant of Uncertain Significance. Advanced modeling of protein sequence and biophysical properties (such as structural, functional, and spatial information, amino acid conservation, physicochemical variation, residue mobility, and thermodynamic stability) has been performed at Invitae for this missense variant, however the output from this modeling did not meet the statistical confidence thresholds required to predict the impact of this variant on SCN2A protein function. This variant has not been reported in the literature in individuals affected with SCN2A-related conditions. This variant is not present in population databases (gnomAD no frequency). This sequence change replaces threonine, which is neutral and polar, with alanine, which is neutral and non-polar, at codon 400 of the SCN2A protein (p.Thr400Ala).

NM_001040142.2(SCN2A):c.1198A>G (p.Thr400Ala)

Gene: SCN2A (sodium voltage-gated channel alpha subunit 2; plus strand). Cytogenetic location: 2q24.3.
Variant type: single nucleotide variant.
Coding change: c.1198A>G on transcript NM_001040142.2 (MANE Select); coding-DNA position 1198, A replaced by G.
Protein change: p.Thr400Ala; replaces threonine 400 with alanine.
Molecular consequence: missense variant.
Genome position (GRCh38, 1-based): chr2:165,313,923, A>G. VCF-style: chr2-165313923-A-G. GRCh37 (hg19) VCF-style: chr2-166170433-A-G.
Other names: c.1198A>G, p.Thr400Ala (NM_001040143.2, NM_001371246.1, NM_001371247.1 and 1 more transcripts); short protein forms T400A.
Identifiers: ClinVar variation 2945474 (VCV002945474.3), dbSNP rs2467902461, ClinGen allele CA349022091.